The following is an entry in ClinVar:

ClinVar aggregate classification (germline): Uncertain significance (1 of 4 stars; one submission).

Allele frequency attached by ClinVar (database versions not stated): gnomAD 0.00001; TOPMed 0.00001; gnomAD exomes 0.00003; ExAC 0.00008; 1000 Genomes Project 30x 0.00016; 1000 Genomes Project 0.00020.
gnomAD v4.1: 40 of 1,614,032 alleles (0.0025%); highest among the groups gnomAD compares: South Asian, 0.021%; no homozygotes.

Submission:

Labcorp Genetics (formerly Invitae), Labcorp
Classification: Uncertain significance. Last evaluated: 2023-10-28. Review status: criteria provided, single submitter. Criteria: Invitae Variant Classification Sherloc (09022015). Collection method: clinical testing. Allele origin: germline.
Comment: This sequence change replaces arginine, which is basic and polar, with tryptophan, which is neutral and slightly polar, at codon 651 of the COMP protein (p.Arg651Trp). This variant is present in population databases (rs556356731, gnomAD 0.03%). This variant has not been reported in the literature in individuals affected with COMP-related conditions. Advanced modeling of protein sequence and biophysical properties (such as structural, functional, and spatial information, amino acid conservation, physicochemical variation, residue mobility, and thermodynamic stability) performed at Invitae indicates that this missense variant is expected to disrupt COMP protein function with a positive predictive value of 80%. In summary, the available evidence is currently insufficient to determine the role of this variant in disease. Therefore, it has been classified as a Variant of Uncertain Significance.

NM_000095.3(COMP):c.1951C>T (p.Arg651Trp)

Gene: COMP (cartilage oligomeric matrix protein; minus strand). Cytogenetic location: 19p13.11.
Variant type: single nucleotide variant.
Coding change: c.1951C>T on transcript NM_000095.3 (MANE Select); coding-DNA position 1951, C replaced by T.
Protein change: p.Arg651Trp; replaces arginine 651 with tryptophan.
Molecular consequence: missense variant.
Genome position (GRCh38, 1-based): chr19:18,784,327, G>A on the plus strand (C>T on the coding strand, the complement: COMP is on the minus strand). VCF-style: chr19-18784327-G-A. GRCh37 (hg19) VCF-style: chr19-18895137-G-A.
Other names: short protein forms R651W.
Identifiers: ClinVar variation 2800468 (VCV002800468.3), dbSNP rs556356731, ClinGen allele CA9316218.
Genomic context (GRCh38, chr19:18,784,327, plus strand): 5'-GGTCCTTCCACAGCAGCCGCACCTGGGACTCTGTGTCTCCTGTATGCCACAGAGCGTTCC[G>A]CAGCTGTTCCCCGGGGCCTGTGGAAGACTTCACAGCCTGCCAATACCCAGGAAAGGTGGT-3'
Protein context (NP_000086.2, residues 641-661): KSSTGPGEQL[Arg651Trp]NALWHTGDTE